The following is an entry in ClinVar:

ClinVar aggregate classification (germline): Uncertain significance (1 of 4 stars; one submission).

Submission:

Labcorp Genetics (formerly Invitae), Labcorp
Classification: Uncertain significance. Last evaluated: 2024-12-17. Review status: criteria provided, single submitter. Criteria: Invitae Variant Classification Sherloc (09022015). Collection method: clinical testing. Allele origin: germline.
Comment: This sequence change replaces glutamic acid, which is acidic and polar, with glycine, which is neutral and non-polar, at codon 746 of the CYFIP2 protein (p.Glu746Gly). This variant is not present in population databases (gnomAD no frequency). This variant has not been reported in the literature in individuals affected with CYFIP2-related conditions. ClinVar contains an entry for this variant (Variation ID: 2838904). Experimental studies and prediction algorithms are not available or were not evaluated, and the functional significance of this variant is currently unknown. In summary, the available evidence is currently insufficient to determine the role of this variant in disease. Therefore, it has been classified as a Variant of Uncertain Significance.

NM_001037333.3(CYFIP2):c.2237A>G (p.Glu746Gly)

Gene: CYFIP2 (cytoplasmic FMR1 interacting protein 2; plus strand). Cytogenetic location: 5q33.3.
Variant type: single nucleotide variant.
Coding change: c.2237A>G on transcript NM_001037333.3 (MANE Select); coding-DNA position 2237, A replaced by G.
Protein change: p.Glu746Gly; replaces glutamic acid 746 with glycine.
Molecular consequence: missense variant.
Genome position (GRCh38, 1-based): chr5:157,330,822, A>G. VCF-style: chr5-157330822-A-G. GRCh37 (hg19) VCF-style: chr5-156757830-A-G.
Other names: c.2159A>G, p.Glu720Gly (NM_001291721.2); c.2312A>G, p.Glu771Gly (NM_001291722.2); c.2237A>G, p.Glu746Gly (NM_014376.4); short protein forms E746G, E771G, E720G.
Identifiers: ClinVar variation 2838904 (VCV002838904.3), dbSNP rs1024659556, ClinGen allele CA361971020.
Genomic context (GRCh38, chr5:157,330,822, plus strand): 5'-TTCGAGCTGAGTGTAAGAATTATGGCGTCATCATTCCGTATCCACCGTCCAATCGCTATG[A>G]AACACTGCTGAAGCAGAGACACGTCCAGGTATGGGGAGCAGAAGCCACCTTGGAGATGGA-3'
Protein context (NP_001032410.1, residues 736-756): IIPYPPSNRY[Glu746Gly]TLLKQRHVQL